The following is an entry in ClinVar:

NM_001163435.3(TBCK):c.2005C>T (p.Arg669Trp)

Gene: TBCK (TBC1 domain containing kinase; minus strand). Cytogenetic location: 4q24.
Variant type: single nucleotide variant.
Coding change: c.2005C>T on transcript NM_001163435.3 (MANE Select); coding-DNA position 2005, C replaced by T.
Protein change: p.Arg669Trp; replaces arginine 669 with tryptophan.
Molecular consequence: missense variant.
Genome position (GRCh38, 1-based): chr4:106,193,663, G>A on the plus strand (C>T on the coding strand, the complement: TBCK is on the minus strand). VCF-style: chr4-106193663-G-A. GRCh37 (hg19) VCF-style: chr4-107114820-G-A.
Other names: c.2005C>T, p.Arg669Trp (NM_001163436.4); c.1888C>T, p.Arg630Trp (NM_001163437.3); c.1489C>T, p.Arg497Trp (NM_001290768.2); c.1816C>T, p.Arg606Trp (NM_033115.5); short protein forms R606W, R497W, R669W, R630W.
Identifiers: ClinVar variation 2045380 (VCV002045380.2), dbSNP rs550366123, ClinGen allele CA3034833.

ClinVar aggregate classification (germline): Uncertain significance (1 of 4 stars; one submission).

Allele frequency attached by ClinVar (database versions not stated): gnomAD 0.00001; TOPMed 0.00001; ExAC 0.00002; gnomAD exomes 0.00002.
gnomAD v4.1: 32 of 1,613,324 alleles (0.002%); highest among the groups gnomAD compares: Non-Finnish European, 0.0025%; no homozygotes.

Submission:

Labcorp Genetics (formerly Invitae), Labcorp
Classification: Uncertain significance. Last evaluated: 2024-10-17. Review status: criteria provided, single submitter. Criteria: Invitae Variant Classification Sherloc (09022015). Collection method: clinical testing. Allele origin: germline.
Comment: This sequence change replaces arginine, which is basic and polar, with tryptophan, which is neutral and slightly polar, at codon 669 of the TBCK protein (p.Arg669Trp). This variant is present in population databases (rs550366123, gnomAD 0.004%). This variant has not been reported in the literature in individuals affected with TBCK-related conditions. ClinVar contains an entry for this variant (Variation ID: 2045380). Invitae Evidence Modeling of protein sequence and biophysical properties (such as structural, functional, and spatial information, amino acid conservation, physicochemical variation, residue mobility, and thermodynamic stability) indicates that this missense variant is not expected to disrupt TBCK protein function with a negative predictive value of 80%. In summary, the available evidence is currently insufficient to determine the role of this variant in disease. Therefore, it has been classified as a Variant of Uncertain Significance.